The following is an entry in ClinVar:

NM_001278116.2(L1CAM):c.3406G>A (p.Val1136Ile)

Gene: L1CAM (L1 cell adhesion molecule; minus strand). Cytogenetic location: Xq28.
Variant type: single nucleotide variant.
Coding change: c.3406G>A on transcript NM_001278116.2 (MANE Select); coding-DNA position 3406, G replaced by A.
Protein change: p.Val1136Ile; replaces valine 1136 with isoleucine.
Molecular consequence: missense variant.
Genome position (GRCh38, 1-based): chrX:153,863,934, C>T on the plus strand (G>A on the coding strand, the complement: L1CAM is on the minus strand). VCF-style: chrX-153863934-C-T. GRCh37 (hg19) VCF-style: chrX-153129389-C-T.
Other names: c.3406G>A, p.Val1136Ile (NM_000425.5, NM_024003.3); c.3391G>A, p.Val1131Ile (NM_001143963.2); short protein forms V1131I, V1136I.
Identifiers: ClinVar variation 2673268 (VCV002673268.26), dbSNP rs151235801, ClinGen allele CA337257546.

ClinVar aggregate classification (germline): Benign/Likely benign. Review status: criteria provided, multiple submitters, no conflicts (2 of 4 stars). 2 submissions from 2 submitters: Benign (1); Likely benign (1). Last evaluated 2026-09-01.

Conditions:
Spastic paraplegia. Identifiers: MedGen C0037772, HP:0001258.

Allele frequency attached by ClinVar (database versions not stated): gnomAD exomes 0.00001; TOPMed 0.00003; gnomAD 0.00007; ESP Exome Variant Server 0.00009.
gnomAD v4.1: 18 of 1,211,030 alleles (0.0015%); highest among the groups gnomAD compares: African/African-American, 0.028%; no homozygotes.

Submissions (2):

CeGaT Center for Human Genetics Tuebingen
Classification: Likely benign. Last evaluated: 2026-09-01. Review status: criteria provided, single submitter. Criteria: CeGaT Center For Human Genetics Tuebingen Variant Classification Criteria Version 2. Collection method: clinical testing. Allele origin: germline. Affected: yes. Observed: 2 variant alleles.
Comment: L1CAM: BP4, BS2

Labcorp Genetics (formerly Invitae), Labcorp
Classification: Benign for Spastic paraplegia. Last evaluated: 2025-06-26. Review status: criteria provided, single submitter. Criteria: Invitae Variant Classification Sherloc (09022015). Collection method: clinical testing. Allele origin: germline.